The following is an entry in ClinVar:

ClinVar aggregate classification (germline): Uncertain significance (1 of 4 stars; one submission).

Submission:

Labcorp Genetics (formerly Invitae), Labcorp
Classification: Uncertain significance. Last evaluated: 2022-06-19. Review status: criteria provided, single submitter. Criteria: Invitae Variant Classification Sherloc (09022015). Collection method: clinical testing. Allele origin: germline.
Comment: In summary, the available evidence is currently insufficient to determine the role of this variant in disease. Therefore, it has been classified as a Variant of Uncertain Significance. This variant has not been reported in the literature in individuals affected with RGS9BP-related conditions. This variant is not present in population databases (gnomAD no frequency). This sequence change affects codon 94 of the RGS9BP mRNA. It is a 'silent' change, meaning that it does not change the encoded amino acid sequence of the RGS9BP protein.

NM_207391.3(RGS9BP):c.280C>A (p.Arg94=)

Genes: RGS9BP (regulator of G protein signaling 9 binding protein; plus strand), LOC130064161 (ATAC-STARR-seq lymphoblastoid active region 14432; plus strand). Cytogenetic location: 19q13.11.
Variant type: single nucleotide variant.
Coding change: c.280C>A on transcript NM_207391.3 (MANE Select); coding-DNA position 280, C replaced by A.
Protein change: p.Arg94=; no amino-acid change (arginine 94 retained).
Molecular consequence: synonymous variant.
Genome position (GRCh38, 1-based): chr19:32,676,543, C>A. VCF-style: chr19-32676543-C-A. GRCh37 (hg19) VCF-style: chr19-33167449-C-A.
Identifiers: ClinVar variation 2008376 (VCV002008376.4), dbSNP rs746139509, ClinGen allele CA506993912.
Genomic context (GRCh38, chr19:32,676,543, plus strand): 5'-GAGTTCGAGCGGCTCTGGGTGGCCTTCTCGGGCTGCCTGGACCTGCTGGAAGCGGACATG[C>A]GACGCGCGCTGGAGCTGGGCGCCGCGTTCCCGCTGCACGCGCCGCGGCGGCCGCTGGTGC-3'
Protein context (NP_997274.2, residues 84-104): GCLDLLEADM[Arg94=]RALELGAAFP